The following is an entry in ClinVar:

NM_015340.4(LARS2):c.1287del (p.Ala430fs)

Genes: LARS2 (leucyl-tRNA synthetase 2, mitochondrial; plus strand), LARS2-AS1 (LARS2 antisense RNA 1; minus strand). Cytogenetic location: 3p21.31.
Variant type: Deletion.
Coding change: c.1287del on transcript NM_015340.4 (MANE Select); coding-DNA position 1287, one base deleted (A; older notation c.1287delA).
Protein change: p.Ala430fs; shifts the reading frame from alanine 430.
Molecular consequence: frameshift variant.
Genome position (GRCh38, 1-based): chr3:45,491,564, A deleted; the last of 3 consecutive A bases (chr3:45,491,562-45,491,564); deleting any one gives the same sequence. VCF-style (leftmost placement, unchanged base first): chr3-45491561-GA-G. GRCh37 (hg19) VCF-style: chr3-45533053-GA-G.
Other names: c.1287del, p.Ala430fs (NM_001368263.1); short protein forms A430fs.
Identifiers: ClinVar variation 1963958 (VCV001963958.6), dbSNP rs2529019979, ClinGen allele CA2580069885.
Genomic context (GRCh38, chr3:45,491,561, plus strand): 5'-TTTCTTTCCCTGTCAGTTCACAGGTATGACCCGGCAGGATGCTTTTCTAGCCCTGACTCA[GA>G]AAGCCCGGGGGAAGAGAGTGGGTGGAGACGTGACAAGTGATAAACTGAAAGACTGGCTGA-3'

ClinVar aggregate classification (germline): Pathogenic/Likely pathogenic. Review status: criteria provided, multiple submitters, no conflicts (2 of 4 stars). 2 submissions from 2 submitters: Pathogenic (1); Likely pathogenic (1). Last evaluated 2025-10-15.

Submissions (2):

Dasa
Classification: Likely pathogenic. Last evaluated: 2025-10-15. Review status: criteria provided, single submitter. Criteria: DASA Assertion Criteria. Collection method: clinical testing. Allele origin: germline.
Comment: NM_015340.4(LARS2):c.1287del (p.Ala430Profs*10) introduces a premature termination codon predicted to result in loss of normal protein function. Loss-of-function is an established mechanism of disease for this gene. The variant is present at low frequency in population datasets. Based on the available data, this variant is classified as likely pathogenic.

Labcorp Genetics (formerly Invitae), Labcorp
Classification: Pathogenic. Last evaluated: 2022-06-07. Review status: criteria provided, single submitter. Criteria: Invitae Variant Classification Sherloc (09022015). Collection method: clinical testing. Allele origin: germline.
Comment: For these reasons, this variant has been classified as Pathogenic. This variant has not been reported in the literature in individuals affected with LARS2-related conditions. This variant is not present in population databases (gnomAD no frequency). This sequence change creates a premature translational stop signal (p.Ala430Profs*10) in the LARS2 gene. It is expected to result in an absent or disrupted protein product. Loss-of-function variants in LARS2 are known to be pathogenic (PMID: 23541342, 30737337).

Literature cited by the submitters: PubMed 23541342 (cited by Labcorp Genetics (formerly Invitae), Labcorp); PubMed 30737337 (cited by Labcorp Genetics (formerly Invitae), Labcorp).